The following is an entry in ClinVar:

ClinVar aggregate classification (germline): not provided (0 of 4 stars; one submission).

Allele frequency attached by ClinVar (database versions not stated): gnomAD 0.00001; gnomAD exomes 0.00001; TOPMed 0.00001; ExAC 0.00002.
gnomAD v4.1: 20 of 1,613,980 alleles (0.0012%); highest among the groups gnomAD compares: Middle Eastern, 0.016%; no homozygotes.

Submission:

Human Evolutionary Genetics, Institut Pasteur
No classification provided. Review status: no classification provided. Collection method: not provided. Allele origin: germline.
ClinVar note: Converted during submission from untested to not provided.

NM_001384950.1(NLRC5):c.5172G>A (p.Ala1724=)

Gene: NLRC5 (NLR family CARD domain containing 5; plus strand). Cytogenetic location: 16q13.
Variant type: single nucleotide variant.
Coding change: c.5172G>A on transcript NM_001384950.1 (MANE Select); coding-DNA position 5172, G replaced by A.
Protein change: p.Ala1724=; no amino-acid change (alanine 1724 retained).
Molecular consequence: synonymous variant. On other transcripts: non-coding transcript variant (8).
Genome position (GRCh38, 1-based): chr16:57,079,227, G>A. VCF-style: chr16-57079227-G-A. GRCh37 (hg19) VCF-style: chr16-57113139-G-A.
Other names: c.5085G>A, p.Ala1695= (NM_001330552.2, NM_001384951.1, NM_001384955.1 and 1 more transcripts); c.5169G>A, p.Ala1723= (NM_001384952.1, NM_001384953.1); c.5088G>A, p.Ala1696= (NM_001384954.1); c.5082G>A, p.Ala1694= (NM_001384957.1); c.4998G>A, p.Ala1666= (NM_001384958.1); c.4995G>A, p.Ala1665= (NM_001384959.1); c.4911G>A, p.Ala1637= (NM_001384960.1); c.5172G>A, p.Ala1724= (NM_032206.5).
Identifiers: ClinVar variation 103204 (VCV000103204.2), dbSNP rs199476016, ClinGen allele CA230253.
Genomic context (GRCh38, chr16:57,079,227, plus strand): 5'-CAGTCCTGGGCGGGTCTGGGGGTTCCTCTCACAGGTATCTCCCCTACCCTGCAGCTTGGC[G>A]GAAAACAACCTGGCTGGAGGGGTCCTGCGTTTCTGTATGGAGCTCCCGCTGCTCAGACAG-3'
Protein context (NP_001371879.1, residues 1714-1734): GSPHLEEISL[Ala1724=]ENNLAGGVLR